The following is an entry in ClinVar:

NM_000702.4(ATP1A2):c.2128G>T (p.Ala710Ser)

Gene: ATP1A2 (ATPase Na+/K+ transporting subunit alpha 2; plus strand). Cytogenetic location: 1q23.2.
Variant type: single nucleotide variant.
Coding change: c.2128G>T on transcript NM_000702.4 (MANE Select); coding-DNA position 2128, G replaced by T.
Protein change: p.Ala710Ser; replaces alanine 710 with serine.
Molecular consequence: missense variant.
Genome position (GRCh38, 1-based): chr1:160,135,446, G>T. VCF-style: chr1-160135446-G-T. GRCh37 (hg19) VCF-style: chr1-160105236-G-T.
Other names: short protein forms A710S.
Identifiers: ClinVar variation 960387 (VCV000960387.10), dbSNP rs1553245764, ClinGen allele CA343248883.

ClinVar aggregate classification (germline): Uncertain significance. Review status: criteria provided, multiple submitters, no conflicts (2 of 4 stars). 2 submissions from 2 submitters: Uncertain significance (2). Last evaluated 2025-06-19.

Conditions:
Inborn genetic diseases. Identifiers: MedGen C0950123, MeSH D030342.
Familial hemiplegic migraine. Identifiers: MedGen C0338484, MONDO:0000700.

Allele frequency attached by ClinVar (database versions not stated): gnomAD exomes below 0.00001.
gnomAD v4.1: 1 of 1,614,210 alleles (0.000062%); highest among the groups gnomAD compares: Non-Finnish European, 0.000085%; no homozygotes.

Submissions (2):

Ambry Genetics
Classification: Uncertain significance for Inborn genetic diseases. Last evaluated: 2025-06-19. Review status: criteria provided, single submitter. Criteria: Ambry Variant Classification Scheme 2023. Collection method: clinical testing. Allele origin: germline.

Labcorp Genetics (formerly Invitae), Labcorp
Classification: Uncertain significance for Familial hemiplegic migraine. Last evaluated: 2020-07-07. Review status: criteria provided, single submitter. Criteria: Invitae Variant Classification Sherloc (09022015). Collection method: clinical testing. Allele origin: germline.
Comment: In summary, the available evidence is currently insufficient to determine the role of this variant in disease. Therefore, it has been classified as a Variant of Uncertain Significance. Algorithms developed to predict the effect of missense changes on protein structure and function (SIFT, PolyPhen-2, Align-GVGD) all suggest that this variant is likely to be disruptive, but these predictions have not been confirmed by published functional studies and their clinical significance is uncertain. This variant has not been reported in the literature in individuals with ATP1A2-related conditions. This variant is not present in population databases (ExAC no frequency). This sequence change replaces alanine with serine at codon 710 of the ATP1A2 protein (p.Ala710Ser). The alanine residue is highly conserved and there is a moderate physicochemical difference between alanine and serine.